The following is an entry in ClinVar:

NM_001277115.2(DNAH11):c.10332+1G>A

Gene: DNAH11 (dynein axonemal heavy chain 11; plus strand). Cytogenetic location: 7p15.3.
Variant type: single nucleotide variant.
Coding change: c.10332+1G>A on transcript NM_001277115.2 (MANE Select); the canonical splice donor site of the intron after coding-DNA position 10332, G replaced by A.
Molecular consequence: splice donor variant.
Genome position (GRCh38, 1-based): chr7:21,808,050, G>A. VCF-style: chr7-21808050-G-A. GRCh37 (hg19) VCF-style: chr7-21847668-G-A.
Identifiers: ClinVar variation 2877342 (VCV002877342.3), dbSNP rs1789350322, ClinGen allele CA366946689.

ClinVar aggregate classification (germline): Likely pathogenic (1 of 4 stars; one submission).

Conditions:
Primary ciliary dyskinesia. Also called: Ciliary dyskinesia. Identifiers: Orphanet 244, MedGen C0008780, MONDO:0016575, HP:0012265.

Submission:

Labcorp Genetics (formerly Invitae), Labcorp
Classification: Likely pathogenic for Primary ciliary dyskinesia. Last evaluated: 2023-10-06. Review status: criteria provided, single submitter. Criteria: Invitae Variant Classification Sherloc (09022015). Collection method: clinical testing. Allele origin: germline.
Comment: This sequence change affects a donor splice site in intron 63 of the DNAH11 gene. It is expected to disrupt RNA splicing. Variants that disrupt the donor or acceptor splice site typically lead to a loss of protein function (PMID: 16199547), and loss-of-function variants in DNAH11 are known to be pathogenic (PMID: 18022865, 20513915, 22184204). This variant is not present in population databases (gnomAD no frequency). This variant has not been reported in the literature in individuals affected with DNAH11-related conditions. Algorithms developed to predict the effect of sequence changes on RNA splicing suggest that this variant may disrupt the consensus splice site. In summary, the currently available evidence indicates that the variant is pathogenic, but additional data are needed to prove that conclusively. Therefore, this variant has been classified as Likely Pathogenic.

Literature cited by the submitters: PubMed 16199547; PubMed 18022865; PubMed 20513915; PubMed 22184204.